The following is an entry in ClinVar:

NM_000540.3(RYR1):c.9916G>A (p.Ala3306Thr)

Gene: RYR1 (ryanodine receptor 1; plus strand). Cytogenetic location: 19q13.2.
Variant type: single nucleotide variant.
Coding change: c.9916G>A on transcript NM_000540.3 (MANE Select); coding-DNA position 9916, G replaced by A.
Protein change: p.Ala3306Thr; replaces alanine 3306 with threonine.
Molecular consequence: missense variant.
Genome position (GRCh38, 1-based): chr19:38,517,589, G>A. VCF-style: chr19-38517589-G-A. GRCh37 (hg19) VCF-style: chr19-39008229-G-A.
Other names: c.9916G>A, p.Ala3306Thr (NM_001042723.2); short protein forms A3306T.
Identifiers: ClinVar variation 863773 (VCV000863773.8), dbSNP rs770907655, ClinGen allele CA074344.

ClinVar aggregate classification (germline): Uncertain significance. Review status: criteria provided, multiple submitters, no conflicts (2 of 4 stars). 3 submissions from 3 submitters: Uncertain significance (3). Last evaluated 2026-07-07.

Conditions:
RYR1-related disorder. Also called: RYR1-related condition; RYR1-related disorders. Identifiers: MedGen CN239331.
Malignant hyperthermia, susceptibility to, 1 (MHS1). Also called: Malignant hyperthermia suceptibility 1; Anesthesia related hyperthermia; Malignant hyperpyrexia; Fulminating hyperpyrexia; Pharmacogenic myopathy; RYR1-Related Malignant Hyperthermia Susceptibility. Identifiers: Orphanet 423, MedGen C2930980, MONDO:0007783, OMIM 145600.
Inborn genetic diseases. Identifiers: MedGen C0950123, MeSH D030342.

Allele frequency attached by ClinVar (database versions not stated): ExAC 0.00002; TOPMed 0.00002; gnomAD 0.00002; gnomAD exomes 0.00001.
gnomAD v4.1: 19 of 1,613,964 alleles (0.0012%); highest among the groups gnomAD compares: South Asian, 0.0022%; no homozygotes.

Submissions (3):

Ambry Genetics
Classification: Uncertain significance for Inborn genetic diseases. Last evaluated: 2026-07-07. Review status: criteria provided, single submitter. Criteria: Ambry Variant Classification Scheme 2023. Collection method: clinical testing. Allele origin: germline.
Comment: The p.A3306T variant (also known as c.9916G>A), located in coding exon 66 of the RYR1 gene, results from a G to A substitution at nucleotide position 9916. The alanine at codon 3306 is replaced by threonine, an amino acid with similar properties. This amino acid position is conserved. In addition, the in silico prediction for this alteration is inconclusive. Based on the available evidence, the clinical significance of this variant remains unclear.

Labcorp Genetics (formerly Invitae), Labcorp
Classification: Uncertain significance for RYR1-related disorder. Last evaluated: 2025-12-16. Review status: criteria provided, single submitter. Criteria: Invitae Variant Classification Sherloc (09022015). Collection method: clinical testing. Allele origin: germline.
Comment: This sequence change replaces alanine, which is neutral and non-polar, with threonine, which is neutral and polar, at codon 3306 of the RYR1 protein (p.Ala3306Thr). This variant is present in population databases (rs770907655, gnomAD 0.003%). This variant has not been reported in the literature in individuals affected with RYR1-related conditions. ClinVar contains an entry for this variant (Variation ID: 863773). Invitae Evidence Modeling of protein sequence and biophysical properties (such as structural, functional, and spatial information, amino acid conservation, physicochemical variation, residue mobility, and thermodynamic stability) indicates that this missense variant is not expected to disrupt RYR1 protein function with a negative predictive value of 80%. In summary, the available evidence is currently insufficient to determine the role of this variant in disease. Therefore, it has been classified as a Variant of Uncertain Significance.

Color Diagnostics, LLC DBA Color Health
Classification: Uncertain significance for Malignant hyperthermia, susceptibility to, 1. Last evaluated: 2024-03-28. Review status: criteria provided, single submitter. Criteria: ACMG Guidelines, 2015. Collection method: clinical testing. Allele origin: germline.
Comment: This missense variant replaces alanine with threonine at codon 3306 of the RYR1 protein. Computational prediction suggests that this variant may not impact protein structure and function. To our knowledge, functional studies have not been reported for this variant. This variant has not been reported in individuals affected with RYR1-related disorders in the literature. This variant has been identified in 3/249090 chromosomes in the general population by the Genome Aggregation Database (gnomAD). The available evidence is insufficient to determine the role of this variant in disease conclusively. Therefore, this variant is classified as a Variant of Uncertain Significance.